The following is an entry in ClinVar:

NM_013352.4(DSE):c.404C>T (p.Ala135Val)

Gene: DSE (dermatan sulfate epimerase; plus strand). Cytogenetic location: 6q22.1.
Variant type: single nucleotide variant.
Coding change: c.404C>T on transcript NM_013352.4 (MANE Select); coding-DNA position 404, C replaced by T.
Protein change: p.Ala135Val; replaces alanine 135 with valine.
Molecular consequence: missense variant. On other transcripts: 5 prime UTR variant (4), non-coding transcript variant (1).
Genome position (GRCh38, 1-based): chr6:116,399,654, C>T. VCF-style: chr6-116399654-C-T. GRCh37 (hg19) VCF-style: chr6-116720817-C-T.
Other names: c.404C>T, p.Ala135Val (NM_001080976.3, NM_001322937.2, NM_001322938.2 and 3 more transcripts); c.461C>T, p.Ala154Val (NM_001322939.2); c.-154C>T (NM_001322940.2, NM_001322941.2); c.-497C>T (NM_001374520.1); c.-184C>T (NM_001374521.1); c.404C>T (NM_013352.2); short protein forms A135V, A154V.
Identifiers: ClinVar variation 1365878 (VCV001365878.7), dbSNP rs370430595, ClinGen allele CA3969507.

ClinVar aggregate classification (germline): Uncertain significance. Review status: criteria provided, multiple submitters, no conflicts (2 of 4 stars). 2 submissions from 2 submitters: Uncertain significance (2). Last evaluated 2025-08-05.

Conditions:
Inborn genetic diseases. Identifiers: MedGen C0950123, MeSH D030342.
Ehlers-Danlos syndrome, musculocontractural type 2 (EDSMC2). Identifiers: Orphanet 2953, MedGen C3809845, MONDO:0014236, OMIM 615539.

Allele frequency attached by ClinVar (database versions not stated): gnomAD 0.00001 and 0.00003; ExAC 0.00002; gnomAD exomes 0.00002 and 0.00005; TOPMed 0.00003; ESP Exome Variant Server 0.00008; 1000 Genomes Project 30x 0.00047; 1000 Genomes Project 0.00060.
gnomAD v4.1: 27 of 1,612,632 alleles (0.0017%); highest among the groups gnomAD compares: South Asian, 0.014%; no homozygotes.

Submissions (2):

Ambry Genetics
Classification: Uncertain significance for Inborn genetic diseases. Last evaluated: 2025-08-05. Review status: criteria provided, single submitter. Criteria: Ambry Variant Classification Scheme 2023. Collection method: clinical testing. Allele origin: germline.

Labcorp Genetics (formerly Invitae), Labcorp
Classification: Uncertain significance for Ehlers-Danlos syndrome, musculocontractural type 2. Last evaluated: 2024-04-15. Review status: criteria provided, single submitter. Criteria: Invitae Variant Classification Sherloc (09022015). Collection method: clinical testing. Allele origin: germline.
Comment: This sequence change replaces alanine, which is neutral and non-polar, with valine, which is neutral and non-polar, at codon 135 of the DSE protein (p.Ala135Val). This variant is present in population databases (rs370430595, gnomAD 0.02%). This variant has not been reported in the literature in individuals affected with DSE-related conditions. ClinVar contains an entry for this variant (Variation ID: 1365878). Advanced modeling of protein sequence and biophysical properties (such as structural, functional, and spatial information, amino acid conservation, physicochemical variation, residue mobility, and thermodynamic stability) performed at Invitae indicates that this missense variant is not expected to disrupt DSE protein function with a negative predictive value of 80%. In summary, the available evidence is currently insufficient to determine the role of this variant in disease. Therefore, it has been classified as a Variant of Uncertain Significance.